The following is an entry in ClinVar:

NM_052947.4(ALPK2):c.6304G>C (p.Gly2102Arg)

Gene: ALPK2 (alpha kinase 2; minus strand). Cytogenetic location: 18q21.31.
Variant type: single nucleotide variant.
Coding change: c.6304G>C on transcript NM_052947.4 (MANE Select); coding-DNA position 6304, G replaced by C.
Protein change: p.Gly2102Arg; replaces glycine 2102 with arginine.
Molecular consequence: missense variant.
Genome position (GRCh38, 1-based): chr18:58,482,032, C>G on the plus strand (G>C on the coding strand, the complement: ALPK2 is on the minus strand). VCF-style: chr18-58482032-C-G. GRCh37 (hg19) VCF-style: chr18-56149264-C-G.
Other names: short protein forms G2102R.
Identifiers: ClinVar variation 2626019 (VCV002626019.2), dbSNP rs776524912, ClinGen allele CA402538791.

ClinVar aggregate classification (germline): Uncertain significance (1 of 4 stars; one submission).

Submission:

Ambry Genetics
Classification: Uncertain significance. Last evaluated: 2023-08-02. Review status: criteria provided, single submitter. Criteria: Ambry Variant Classification Scheme 2023. Collection method: clinical testing. Allele origin: germline.
Comment: The p.G2102R variant (also known as c.6304G>C), located in coding exon 12 of the ALPK2 gene, results from a G to C substitution at nucleotide position 6304. The glycine at codon 2102 is replaced by arginine, an amino acid with dissimilar properties. This amino acid position is conserved. In addition, the in silico prediction for this alteration is inconclusive. Since supporting evidence is limited at this time, the clinical significance of this alteration remains unclear.